The following is an entry in ClinVar:

ClinVar aggregate classification (germline): Uncertain significance (1 of 4 stars; one submission).

gnomAD v4.1: 1 of 1,613,716 alleles (0.000062%); highest among the groups gnomAD compares: East Asian, 0.0022%; no homozygotes.

Submission:

GeneDx
Classification: Uncertain significance. Last evaluated: 2021-07-08. Review status: criteria provided, single submitter. Criteria: GeneDx Variant Classification Process June 2021. Collection method: clinical testing. Allele origin: germline. Affected: yes.
Comment: Not observed in large population cohorts (Lek et al., 2016); In silico analysis supports that this missense variant does not alter protein structure/function; Has not been previously published as pathogenic or benign to our knowledge

NM_001378120.1(MBD5):c.322G>A (p.Ala108Thr)

Gene: MBD5 (methyl-CpG binding domain protein 5; plus strand). Cytogenetic location: 2q23.1.
Variant type: single nucleotide variant.
Coding change: c.322G>A on transcript NM_001378120.1 (MANE Select); coding-DNA position 322, G replaced by A.
Protein change: p.Ala108Thr; replaces alanine 108 with threonine.
Molecular consequence: missense variant.
Genome position (GRCh38, 1-based): chr2:148,463,844, G>A. VCF-style: chr2-148463844-G-A. GRCh37 (hg19) VCF-style: chr2-149221413-G-A.
Other names: c.322G>A, p.Ala108Thr (NM_018328.5); short protein forms A108T.
Identifiers: ClinVar variation 1313758 (VCV001313758.2), dbSNP rs989078419, ClinGen allele CA57569931.